The following is an entry in ClinVar:

ClinVar aggregate classification (germline): Uncertain significance. Review status: criteria provided, multiple submitters, no conflicts (2 of 4 stars). 4 submissions from 4 submitters: Uncertain significance (4). Last evaluated 2026-01-04.

Conditions:
Cardiovascular phenotype. Identifiers: MedGen CN230736.
Hereditary cancer-predisposing syndrome. Also called: Neoplastic Syndromes, Hereditary; Tumor predisposition; Hereditary neoplastic syndrome; Hereditary Cancer Syndrome. Identifiers: Orphanet 140162, MedGen C0027672, MeSH D009386, MONDO:0015356.
LZTR1-related schwannomatosis. Also called: Schwannomatosis 2; Schwannomatosis-2, susceptibility to. Identifiers: Orphanet 93921, MedGen C3810283, MONDO:0014299, OMIM 615670.

Allele frequency attached by ClinVar (database versions not stated): gnomAD 0.00002; gnomAD exomes 0.00002; ExAC 0.00005; TOPMed 0.00007.
gnomAD v4.1: 30 of 1,603,232 alleles (0.0019%); highest among the groups gnomAD compares: African/African-American, 0.0067%; no homozygotes.

Submissions (4):

Labcorp Genetics (formerly Invitae), Labcorp
Classification: Uncertain significance. Last evaluated: 2026-01-04. Review status: criteria provided, single submitter. Criteria: Invitae Variant Classification Sherloc (09022015). Collection method: clinical testing. Allele origin: germline.
Comment: This sequence change replaces arginine, which is basic and polar, with tryptophan, which is neutral and slightly polar, at codon 514 of the LZTR1 protein (p.Arg514Trp). This variant is present in population databases (rs779673877, gnomAD 0.007%). This variant has not been reported in the literature in individuals affected with LZTR1-related conditions. ClinVar contains an entry for this variant (Variation ID: 809332). Invitae Evidence Modeling of protein sequence and biophysical properties (such as structural, functional, and spatial information, amino acid conservation, physicochemical variation, residue mobility, and thermodynamic stability) indicates that this missense variant is not expected to disrupt LZTR1 protein function with a negative predictive value of 80%. In summary, the available evidence is currently insufficient to determine the role of this variant in disease. Therefore, it has been classified as a Variant of Uncertain Significance.

Ambry Genetics
Classification: Uncertain significance for Cardiovascular phenotype; Hereditary cancer-predisposing syndrome. Last evaluated: 2024-12-20. Review status: criteria provided, single submitter. Criteria: Ambry Variant Classification Scheme 2023. Collection method: clinical testing. Allele origin: germline.
Comment: The p.R514W variant (also known as c.1540C>T), located in coding exon 14 of the LZTR1 gene, results from a C to T substitution at nucleotide position 1540. The arginine at codon 514 is replaced by tryptophan, an amino acid with dissimilar properties. This amino acid position is highly conserved in available vertebrate species. In addition, the in silico prediction for this alteration is inconclusive. Based on the available evidence, the clinical significance of this variant remains unclear.

GeneDx
Classification: Uncertain significance. Last evaluated: 2023-10-17. Review status: criteria provided, single submitter. Criteria: GeneDx Variant Classification Process June 2021. Collection method: clinical testing. Allele origin: germline. Affected: yes.
Comment: Has not been previously published as pathogenic or benign to our knowledge; Not observed at significant frequency in large population cohorts (gnomAD); In silico analysis supports that this missense variant has a deleterious effect on protein structure/function

Baylor Genetics
Classification: Uncertain significance for LZTR1-related schwannomatosis. Last evaluated: 2023-10-08. Review status: criteria provided, single submitter. Criteria: ACMG Guidelines, 2015. Collection method: clinical testing. Allele origin: unknown.

NM_006767.4(LZTR1):c.1540C>T (p.Arg514Trp)

Gene: LZTR1 (leucine zipper like post translational regulator 1; plus strand). Cytogenetic location: 22q11.21.
Variant type: single nucleotide variant.
Coding change: c.1540C>T on transcript NM_006767.4 (MANE Select); coding-DNA position 1540, C replaced by T.
Protein change: p.Arg514Trp; replaces arginine 514 with tryptophan.
Molecular consequence: missense variant.
Genome position (GRCh38, 1-based): chr22:20,994,194, C>T. VCF-style: chr22-20994194-C-T. GRCh37 (hg19) VCF-style: chr22-21348483-C-T.
Other names: short protein forms R514W.
Identifiers: ClinVar variation 809332 (VCV000809332.23), dbSNP rs779673877, ClinGen allele CA10118934.